The following is an entry in ClinVar:

ClinVar aggregate classification (germline): Likely benign (0 of 4 stars; one submission).

Conditions:
KMT2D-related disorder. Also called: KMT2D-Related Disorders.

gnomAD v4.1: 1 of 1,559,588 alleles (0.000064%); highest among the groups gnomAD compares: Non-Finnish European, 0.000087%; no homozygotes.

Submission:

PreventionGenetics, part of Exact Sciences
Classification: Likely benign for KMT2D-related condition. Last evaluated: 2024-07-29. Review status: no assertion criteria provided. Collection method: clinical testing. Allele origin: germline.
Comment: This variant is classified as likely benign based on ACMG/AMP sequence variant interpretation guidelines (Richards et al. 2015 PMID: 25741868, with internal and published modifications).

NM_003482.4(KMT2D):c.14643+4G>T

Gene: KMT2D (lysine methyltransferase 2D; minus strand). Cytogenetic location: 12q13.12.
Variant type: single nucleotide variant.
Coding change: c.14643+4G>T on transcript NM_003482.4 (MANE Select); 4 bases into the intron after coding-DNA position 14643, G replaced by T.
Molecular consequence: intron variant.
Genome position (GRCh38, 1-based): chr12:49,027,799, C>A on the plus strand (G>T on the coding strand, the complement: KMT2D is on the minus strand). VCF-style: chr12-49027799-C-A. GRCh37 (hg19) VCF-style: chr12-49421582-C-A.
Identifiers: ClinVar variation 3347952 (VCV003347952.1).